The following is an entry in ClinVar:

NM_020779.4(WDR35):c.3455T>G (p.Leu1152Arg)

Gene: WDR35 (WD repeat domain 35; minus strand). Cytogenetic location: 2p24.1.
Variant type: single nucleotide variant.
Coding change: c.3455T>G on transcript NM_020779.4 (MANE Select); coding-DNA position 3455, T replaced by G.
Protein change: p.Leu1152Arg; replaces leucine 1152 with arginine.
Molecular consequence: missense variant.
Genome position (GRCh38, 1-based): chr2:19,913,616, A>C on the plus strand (T>G on the coding strand, the complement: WDR35 is on the minus strand). VCF-style: chr2-19913616-A-C. GRCh37 (hg19) VCF-style: chr2-20113377-A-C.
Other names: c.3488T>G, p.Leu1163Arg (NM_001006657.2); short protein forms L1163R, L1152R.
Identifiers: ClinVar variation 2191713 (VCV002191713.4), dbSNP rs1669900971, ClinGen allele CA346230540.

ClinVar aggregate classification (germline): Uncertain significance (1 of 4 stars; one submission).

Conditions:
Short-rib thoracic dysplasia 7 with or without polydactyly (SRTD7). Also called: Short rib polydactyly syndrome 5; SHORT-RIB THORACIC DYSPLASIA 7 WITH POLYDACTYLY. Identifiers: Orphanet 498497, Orphanet 93271, MedGen C3279792, MONDO:0013569, OMIM 614091.
Cranioectodermal dysplasia 2 (CED2). Identifiers: Orphanet 1515, MedGen C3150874, MONDO:0013323, OMIM 613610.

Allele frequency attached by ClinVar (database versions not stated): gnomAD exomes below 0.00001; gnomAD 0.00001.
gnomAD v4.1: 3 of 1,614,004 alleles (0.00019%); highest among the groups gnomAD compares: Non-Finnish European, 0.00025%; no homozygotes.

Submission:

Labcorp Genetics (formerly Invitae), Labcorp
Classification: Uncertain significance for Cranioectodermal dysplasia 2; Short-rib thoracic dysplasia 7 with or without polydactyly. Last evaluated: 2022-08-03. Review status: criteria provided, single submitter. Criteria: Invitae Variant Classification Sherloc (09022015). Collection method: clinical testing. Allele origin: germline.
Comment: This variant has not been reported in the literature in individuals affected with WDR35-related conditions. In summary, the available evidence is currently insufficient to determine the role of this variant in disease. Therefore, it has been classified as a Variant of Uncertain Significance. Algorithms developed to predict the effect of missense changes on protein structure and function (SIFT, PolyPhen-2, Align-GVGD) all suggest that this variant is likely to be tolerated. This variant is not present in population databases (gnomAD no frequency). This sequence change replaces leucine, which is neutral and non-polar, with arginine, which is basic and polar, at codon 1163 of the WDR35 protein (p.Leu1163Arg).